The following is an entry in ClinVar:

NM_001271.4(CHD2):c.5068C>T (p.Arg1690Ter)

Gene: CHD2 (chromodomain helicase DNA binding protein 2; plus strand). Cytogenetic location: 15q26.1.
Variant type: single nucleotide variant.
Coding change: c.5068C>T on transcript NM_001271.4 (MANE Select); coding-DNA position 5068, C replaced by T.
Protein change: p.Arg1690Ter; replaces arginine 1690 with a stop codon.
Molecular consequence: nonsense.
Genome position (GRCh38, 1-based): chr15:93,020,173, C>T. VCF-style: chr15-93020173-C-T. GRCh37 (hg19) VCF-style: chr15-93563403-C-T.
Other names: short protein forms R1690*.
Identifiers: ClinVar variation 644061 (VCV000644061.11), dbSNP rs761127171, ClinGen allele CA7748642.

ClinVar aggregate classification (germline): Pathogenic. Review status: criteria provided, multiple submitters, no conflicts (2 of 4 stars). 3 submissions from 3 submitters: Pathogenic (3). Last evaluated 2026-02-25.

Conditions:
Developmental and epileptic encephalopathy 94 (DEE94). Also called: CHD2-Related Neurodevelopmental Disorders; Epileptic encephalopathy, childhood-onset. Identifiers: Orphanet 1942, Orphanet 2382, MedGen C3809278, MONDO:0014150, OMIM 615369.
Epilepsy. Also called: Seizure disorder. Identifiers: MedGen C0014544, MeSH D004827, MONDO:0005027.

Allele frequency attached by ClinVar (database versions not stated): ExAC 0.00001.

Submissions (3):

GeneDx
Classification: Pathogenic. Last evaluated: 2026-02-25. Review status: criteria provided, single submitter. Criteria: GeneDx Variant Classification Process June 2021. Collection method: clinical testing. Allele origin: germline.
Comment: Nonsense variant predicted to result in protein truncation or nonsense mediated decay in a gene for which loss of function is a known mechanism of disease; Not observed at significant frequency in large population cohorts (gnomAD); This variant is associated with the following publications: (PMID: 31440721)

Labcorp Genetics (formerly Invitae), Labcorp
Classification: Pathogenic for Developmental and epileptic encephalopathy 94. Last evaluated: 2022-08-06. Review status: criteria provided, single submitter. Criteria: Invitae Variant Classification Sherloc (09022015). Collection method: clinical testing. Allele origin: germline.
Comment: For these reasons, this variant has been classified as Pathogenic. ClinVar contains an entry for this variant (Variation ID: 644061). This variant has not been reported in the literature in individuals affected with CHD2-related conditions. This variant is present in population databases (rs761127171, gnomAD 0.0009%). This sequence change creates a premature translational stop signal (p.Arg1690*) in the CHD2 gene. It is expected to result in an absent or disrupted protein product. Loss-of-function variants in CHD2 are known to be pathogenic (PMID: 23708187, 24207121).

Cambridge Genomics Laboratory, East Genomic Laboratory Hub, NHS Genomic Medicine Service
Classification: Pathogenic for Epilepsy. Last evaluated: 2019-05-20. Review status: criteria provided, single submitter. Criteria: ACGS Best Practice Guidelines for Variant Classification in Rare Disease 2020. Collection method: clinical testing. Allele origin: germline. Affected: yes. Observed: 1 variant allele.

Literature cited by the submitters: PubMed 23708187 (cited by Labcorp Genetics (formerly Invitae), Labcorp); PubMed 24207121 (cited by Labcorp Genetics (formerly Invitae), Labcorp).